The following is an entry in ClinVar:

ClinVar aggregate classification (germline): Pathogenic (1 of 4 stars; one submission).

Conditions:
Wolman disease (WOLD). Also called: Acid cholesteryl ester hydrolase deficiency, Wolman type; Acid lipase disease; Wolman disease, CESD; Wolman disease with hypolipoproteinemia and acanthocytosis; LYSOSOMAL ACID LIPASE DEFICIENCY, ACUTE INFANTILE; LYSOSOMAL ACID LIPASE DEFICIENCY, COMPLETE. Identifiers: Orphanet 75233, MedGen C0043208, MONDO:0019148, OMIM 620151.

Submission:

Labcorp Genetics (formerly Invitae), Labcorp
Classification: Pathogenic for Wolman disease. Last evaluated: 2025-02-02. Review status: criteria provided, single submitter. Criteria: Invitae Variant Classification Sherloc (09022015). Collection method: clinical testing. Allele origin: germline.
Comment: This sequence change creates a premature translational stop signal (p.Val206Glyfs*6) in the LIPA gene. It is expected to result in an absent or disrupted protein product. Loss-of-function variants in LIPA are known to be pathogenic (PMID: 23485521). This variant is not present in population databases (gnomAD no frequency). This variant has not been reported in the literature in individuals affected with LIPA-related conditions. For these reasons, this variant has been classified as Pathogenic.

Literature cited by the submitters: PubMed 23485521.

NM_000235.4(LIPA):c.616dup (p.Val206fs)

Gene: LIPA (lipase A, lysosomal acid type; minus strand). Cytogenetic location: 10q23.31.
Variant type: Duplication.
Coding change: c.616dup on transcript NM_000235.4 (MANE Select); coding-DNA position 616, one base duplicated (G; older notation c.616dupG).
Protein change: p.Val206fs; shifts the reading frame from valine 206.
Molecular consequence: frameshift variant.
Genome position (GRCh38, 1-based): chr10:89,225,151, C duplicated on the plus strand (G on the coding strand, the reverse complement: LIPA is on the minus strand). VCF-style (leftmost placement, unchanged base first): chr10-89225150-A-AC. GRCh37 (hg19) VCF-style: chr10-90984907-A-AC.
Other names: c.616dup, p.Val206fs (NM_001127605.3); c.268dup, p.Val90fs (NM_001288979.2); short protein forms V206fs, V90fs.
Identifiers: ClinVar variation 3617200 (VCV003617200.2).